The following is an entry in ClinVar:

NM_004614.5(TK2):c.472T>C (p.Tyr158His)

Gene: TK2 (thymidine kinase 2; minus strand). Cytogenetic location: 16q21.
Variant type: single nucleotide variant.
Coding change: c.472T>C on transcript NM_004614.5 (MANE Select); coding-DNA position 472, T replaced by C.
Protein change: p.Tyr158His; replaces tyrosine 158 with histidine.
Molecular consequence: missense variant. On other transcripts: non-coding transcript variant (1), intron variant (1).
Genome position (GRCh38, 1-based): chr16:66,517,855, A>G on the plus strand (T>C on the coding strand, the complement: TK2 is on the minus strand). VCF-style: chr16-66517855-A-G. GRCh37 (hg19) VCF-style: chr16-66551758-A-G.
Other names: c.379T>C, p.Tyr127His (NM_001172643.1); c.397T>C, p.Tyr133His (NM_001172644.2); c.418T>C, p.Tyr140His (NM_001172645.2); c.325T>C, p.Tyr109His (NM_001271934.2); c.181T>C, p.Tyr61His (NM_001272050.2); c.357-4044T>C (NM_001271935.1); short protein forms Y127H, Y109H, Y140H, Y158H, Y61H, Y133H.
Identifiers: ClinVar variation 1402477 (VCV001402477.8), dbSNP rs1964661906, ClinGen allele CA396187960.

ClinVar aggregate classification (germline): Uncertain significance (1 of 4 stars; one submission).

Allele frequency attached by ClinVar (database versions not stated): gnomAD 0.00001.

Submission:

Labcorp Genetics (formerly Invitae), Labcorp
Classification: Uncertain significance. Last evaluated: 2022-06-27. Review status: criteria provided, single submitter. Criteria: Invitae Variant Classification Sherloc (09022015). Collection method: clinical testing. Allele origin: germline.
Comment: In summary, the available evidence is currently insufficient to determine the role of this variant in disease. Therefore, it has been classified as a Variant of Uncertain Significance. Algorithms developed to predict the effect of missense changes on protein structure and function (SIFT, PolyPhen-2, Align-GVGD) all suggest that this variant is likely to be disruptive. This variant has not been reported in the literature in individuals affected with TK2-related conditions. This variant is not present in population databases (gnomAD no frequency). This sequence change replaces tyrosine, which is neutral and polar, with histidine, which is basic and polar, at codon 158 of the TK2 protein (p.Tyr158His).